The following is an entry in ClinVar:

NM_021224.6(ZNF462):c.5998T>C (p.Ser2000Pro)

Gene: ZNF462 (zinc finger protein 462; plus strand). Cytogenetic location: 9q31.2.
Variant type: single nucleotide variant.
Coding change: c.5998T>C on transcript NM_021224.6 (MANE Select); coding-DNA position 5998, T replaced by C.
Protein change: p.Ser2000Pro; replaces serine 2000 with proline.
Molecular consequence: missense variant.
Genome position (GRCh38, 1-based): chr9:106,930,675, T>C. VCF-style: chr9-106930675-T-C. GRCh37 (hg19) VCF-style: chr9-109692956-T-C.
Other names: c.3403T>C, p.Ser1135Pro (NM_001347997.2); short protein forms S1135P, S2000P.
Identifiers: ClinVar variation 1307812 (VCV001307812.2), dbSNP rs2131530928, ClinGen allele CA374420588.

ClinVar aggregate classification (germline): Uncertain significance (1 of 4 stars; one submission).

Submission:

GeneDx
Classification: Uncertain significance. Last evaluated: 2019-08-21. Review status: criteria provided, single submitter. Criteria: GeneDx Variant Classification Process June 2021. Collection method: clinical testing. Allele origin: germline. Affected: yes.
Comment: Not observed in large population cohorts (Lek et al., 2016); In silico analysis, which includes protein predictors and evolutionary conservation, supports a deleterious effect; Has not been previously published as pathogenic or benign to our knowledge